The following is an entry in ClinVar:

ClinVar aggregate classification (germline): Uncertain significance. Review status: criteria provided, multiple submitters, no conflicts (2 of 4 stars). 2 submissions from 2 submitters: Uncertain significance (2). Last evaluated 2026-02-03.

Conditions:
Inborn genetic diseases. Identifiers: MedGen C0950123, MeSH D030342.
Tatton-Brown-Rahman overgrowth syndrome. Also called: Tatton-Brown-Rahman syndrome; Tall stature-intellectual disability-facial dysmorphism syndrome. Identifiers: Orphanet 404443, MedGen C4014545, MONDO:0014382, OMIM 615879.

Submissions (2):

Labcorp Genetics (formerly Invitae), Labcorp
Classification: Uncertain significance for Tatton-Brown-Rahman overgrowth syndrome. Last evaluated: 2026-02-03. Review status: criteria provided, single submitter. Criteria: Invitae Variant Classification Sherloc (09022015). Collection method: clinical testing. Allele origin: germline.
Comment: This sequence change replaces valine, which is neutral and non-polar, with isoleucine, which is neutral and non-polar, at codon 467 of the DNMT3A protein (p.Val467Ile). This variant is not present in population databases (gnomAD no frequency). This variant has not been reported in the literature in individuals affected with DNMT3A-related conditions. ClinVar contains an entry for this variant (Variation ID: 4013938). Invitae Evidence Modeling of protein sequence and biophysical properties (such as structural, functional, and spatial information, amino acid conservation, physicochemical variation, residue mobility, and thermodynamic stability) indicates that this missense variant is not expected to disrupt DNMT3A protein function with a negative predictive value of 95%. In summary, the available evidence is currently insufficient to determine the role of this variant in disease. Therefore, it has been classified as a Variant of Uncertain Significance.

Ambry Genetics
Classification: Uncertain significance for Inborn genetic diseases. Last evaluated: 2025-05-24. Review status: criteria provided, single submitter. Criteria: Ambry Variant Classification Scheme 2023. Collection method: clinical testing. Allele origin: germline.
Comment: The p.V467I variant (also known as c.1399G>A), located in coding exon 10 of the DNMT3A gene, results from a G to A substitution at nucleotide position 1399. The valine at codon 467 is replaced by isoleucine, an amino acid with highly similar properties. This amino acid position is conserved. In addition, this alteration is predicted to be tolerated by in silico analysis. Based on the available evidence, the clinical significance of this variant remains unclear.

NM_022552.5(DNMT3A):c.1399G>A (p.Val467Ile)

Gene: DNMT3A (DNA methyltransferase 3 alpha; minus strand). Cytogenetic location: 2p23.3.
Variant type: single nucleotide variant.
Coding change: c.1399G>A on transcript NM_022552.5 (MANE Select); coding-DNA position 1399, G replaced by A.
Protein change: p.Val467Ile; replaces valine 467 with isoleucine.
Molecular consequence: missense variant. On other transcripts: non-coding transcript variant (1).
Genome position (GRCh38, 1-based): chr2:25,246,190, C>T on the plus strand (G>A on the coding strand, the complement: DNMT3A is on the minus strand). VCF-style: chr2-25246190-C-T. GRCh37 (hg19) VCF-style: chr2-25469059-C-T.
Other names: c.943G>A, p.Val315Ile (NM_001320893.1); c.730G>A, p.Val244Ile (NM_001375819.1); c.832G>A, p.Val278Ile (NM_153759.3); c.1399G>A, p.Val467Ile (NM_175629.2); short protein forms V278I, V467I, V244I, V315I.
Identifiers: ClinVar variation 4013938 (VCV004013938.2).